The following is an entry in ClinVar:

NM_016239.4(MYO15A):c.5111A>G (p.Tyr1704Cys)

Gene: MYO15A (myosin XVA; plus strand). Cytogenetic location: 17p11.2.
Variant type: single nucleotide variant.
Coding change: c.5111A>G on transcript NM_016239.4 (MANE Select); coding-DNA position 5111, A replaced by G.
Protein change: p.Tyr1704Cys; replaces tyrosine 1704 with cysteine.
Molecular consequence: missense variant.
Genome position (GRCh38, 1-based): chr17:18,138,914, A>G. VCF-style: chr17-18138914-A-G. GRCh37 (hg19) VCF-style: chr17-18042228-A-G.
Other names: short protein forms Y1704C.
Identifiers: ClinVar variation 1359276 (VCV001359276.7), dbSNP rs758420321, ClinGen allele CA8424135.

ClinVar aggregate classification (germline): Uncertain significance. Review status: criteria provided, multiple submitters, no conflicts (2 of 4 stars). 2 submissions from 2 submitters: Uncertain significance (2). Last evaluated 2023-08-10.

Allele frequency attached by ClinVar (database versions not stated): ExAC 0.00001; gnomAD exomes 0.00001 and 0.00002; TOPMed 0.00001.
gnomAD v4.1: 7 of 1,612,936 alleles (0.00043%); highest among the groups gnomAD compares: Admixed American, 0.005%; no homozygotes.

Submissions (2):

Labcorp Genetics (formerly Invitae), Labcorp
Classification: Uncertain significance. Last evaluated: 2023-08-10. Review status: criteria provided, single submitter. Criteria: Invitae Variant Classification Sherloc (09022015). Collection method: clinical testing. Allele origin: germline.
Comment: This sequence change replaces tyrosine, which is neutral and polar, with cysteine, which is neutral and slightly polar, at codon 1704 of the MYO15A protein (p.Tyr1704Cys). This variant is present in population databases (rs758420321, gnomAD 0.006%). This variant has not been reported in the literature in individuals affected with MYO15A-related conditions. ClinVar contains an entry for this variant (Variation ID: 1359276). Advanced modeling of protein sequence and biophysical properties (such as structural, functional, and spatial information, amino acid conservation, physicochemical variation, residue mobility, and thermodynamic stability) performed at Invitae indicates that this missense variant is expected to disrupt MYO15A protein function. In summary, the available evidence is currently insufficient to determine the role of this variant in disease. Therefore, it has been classified as a Variant of Uncertain Significance.

Blueprint Genetics
Classification: Uncertain significance. Last evaluated: 2020-11-26. Review status: criteria provided, single submitter. Criteria: ACMG Guidelines, 2015. Collection method: clinical testing. Allele origin: germline.